The following is an entry in ClinVar:

ClinVar aggregate classification (germline): Uncertain significance (1 of 4 stars; one submission).

Submission:

Labcorp Genetics (formerly Invitae), Labcorp
Classification: Uncertain significance. Last evaluated: 2025-11-17. Review status: criteria provided, single submitter. Criteria: Invitae Variant Classification Sherloc (09022015). Collection method: clinical testing. Allele origin: germline.
Comment: This variant, c.10069_10071del, results in the deletion of 1 amino acid(s) of the ADGRV1 protein (p.Ile3357del), but otherwise preserves the integrity of the reading frame. This variant is not present in population databases (gnomAD no frequency). This variant has not been reported in the literature in individuals affected with ADGRV1-related conditions. Experimental studies and prediction algorithms are not available or were not evaluated, and the functional significance of this variant is currently unknown. In summary, the available evidence is currently insufficient to determine the role of this variant in disease. Therefore, it has been classified as a Variant of Uncertain Significance.

NM_032119.4(ADGRV1):c.10066ATT[1] (p.Ile3357del)

Gene: ADGRV1 (adhesion G protein-coupled receptor V1; plus strand). Cytogenetic location: 5q14.3.
Variant type: Microsatellite.
Coding change: c.10066ATT[1] on transcript NM_032119.4 (MANE Select); one copy of the 3-base unit ATT starting at c.10066; the reference has two copies in a row; one copy, 3 bases deleted.
Protein change: p.Ile3357del; deletes isoleucine 3357.
Molecular consequence: inframe deletion. On other transcripts: non-coding transcript variant (1).
Genome position (GRCh38, 1-based): chr5:90,725,564-90,725,566, ATT deleted; deleting any 3 consecutive bases within chr5:90,725,561-90,725,566 gives the same sequence; the position shown is the placement nearest the transcript's 3' end. VCF-style (leftmost placement, unchanged base first): chr5-90725560-CATT-C. GRCh37 (hg19) VCF-style: chr5-90021377-CATT-C.
Other names: short protein forms I3357del.
Identifiers: ClinVar variation 998790 (VCV000998790.8), dbSNP rs1751659721, ClinGen allele CA1562873554.
Genomic context (GRCh38, chr5:90,725,560, plus strand): 5'-TCTTAGTTCAACTCTCCTTTAAGTTTTCATTCCCACTCTGTCCTTGCAGGTACAAACAAT[CATT>C]ATTCTGGAAAGTTCTCAAGTAAGATATTTTACTTCAGACAGCCAAGATTATTTAATCATT-3'